The following is an entry in ClinVar:

NM_001164665.2(KIAA1549):c.1156G>A (p.Asp386Asn)

Gene: KIAA1549 (KIAA1549; minus strand). Cytogenetic location: 7q34.
Variant type: single nucleotide variant.
Coding change: c.1156G>A on transcript NM_001164665.2 (MANE Select); coding-DNA position 1156, G replaced by A.
Protein change: p.Asp386Asn; replaces aspartic acid 386 with asparagine.
Molecular consequence: missense variant.
Genome position (GRCh38, 1-based): chr7:138,918,470, C>T on the plus strand (G>A on the coding strand, the complement: KIAA1549 is on the minus strand). VCF-style: chr7-138918470-C-T. GRCh37 (hg19) VCF-style: chr7-138603216-C-T.
Other names: c.1156G>A, p.Asp386Asn (NM_020910.3); short protein forms D386N.
Identifiers: ClinVar variation 934880 (VCV000934880.8), dbSNP rs566170382, ClinGen allele CA4506789.

ClinVar aggregate classification (germline): Conflicting classifications of pathogenicity. Review status: criteria provided, conflicting classifications (1 of 4 stars). 2 submissions from 2 submitters: Uncertain significance (1); Likely benign (1). Last evaluated 2025-09-15.

Conditions:
Inborn genetic diseases. Identifiers: MedGen C0950123, MeSH D030342.

Allele frequency attached by ClinVar (database versions not stated): gnomAD exomes 0.00009 and 0.00015; gnomAD 0.00011; TOPMed 0.00013; 1000 Genomes Project 30x 0.00016; ExAC 0.00017; 1000 Genomes Project 0.00020.
gnomAD v4.1: 151 of 1,613,860 alleles (0.0094%); highest among the groups gnomAD compares: Admixed American, 0.038%; no homozygotes.

Submissions (2):

Labcorp Genetics (formerly Invitae), Labcorp
Classification: Uncertain significance. Last evaluated: 2025-09-15. Review status: criteria provided, single submitter. Criteria: Invitae Variant Classification Sherloc (09022015). Collection method: clinical testing. Allele origin: germline.
Comment: This sequence change replaces aspartic acid, which is acidic and polar, with asparagine, which is neutral and polar, at codon 386 of the KIAA1549 protein (p.Asp386Asn). This variant is present in population databases (rs566170382, gnomAD 0.05%). This variant has not been reported in the literature in individuals affected with KIAA1549-related conditions. ClinVar contains an entry for this variant (Variation ID: 934880). An algorithm developed to predict the effect of missense changes on protein structure and function outputs the following: PolyPhen-2: "Benign". The asparagine amino acid residue is found in multiple mammalian species, which suggests that this missense change does not adversely affect protein function. In summary, the available evidence is currently insufficient to determine the role of this variant in disease. Therefore, it has been classified as a Variant of Uncertain Significance.

Ambry Genetics
Classification: Likely benign for Inborn genetic diseases. Last evaluated: 2023-05-08. Review status: criteria provided, single submitter. Criteria: Ambry Variant Classification Scheme 2023. Collection method: clinical testing. Allele origin: germline.